The following is an entry in ClinVar:

NC_000017.11:g.(43057136_43063332)_(43063952_43067607)dup

Gene: BRCA1 (BRCA1 DNA repair associated; minus strand). Cytogenetic location: 17q21.31.
Variant type: Duplication.
Identifiers: ClinVar variation 981986 (VCV000981986.1).

ClinVar aggregate classification (germline): Pathogenic (1 of 4 stars; one submission).

Conditions:
Hereditary breast ovarian cancer syndrome. Also called: Hereditary breast and ovarian cancer syndrome; Hereditary breast and/or ovarian cancer syndrome; Hereditary breast and ovarian cancer syndrome (HBOC); Hereditary breast and ovarian cancer; Breast and ovarian cancer; BRCA1- and BRCA2-Associated Hereditary Breast and Ovarian Cancer. Identifiers: Orphanet 145, MedGen C0677776, MeSH D061325, MONDO:0003582. Disease mechanism: loss of function.

Submission:

Women's Health and Genetics/Laboratory Corporation of America, LabCorp
Classification: Pathogenic for Hereditary breast and ovarian cancer syndrome. Last evaluated: 2019-05-02. Review status: criteria provided, single submitter. Criteria: LabCorp Variant Classification Summary - May 2015. Collection method: clinical testing. Allele origin: germline.
Comment: Variant summary: The variant identified by MLPA or other technology involves the duplication of exon 17-18 in the BRCA1 gene. A presumed nomenclature of c.(5074+1_5075-1)_(5193+1_5194-1)dup has been designated for the purposes of this classification. It has been assumed that this is a tandem duplication in direct orientation (Richardson_GIM_2018, Neuman_AJHG_2015). Although exact breakpoints of this duplication are not known, the duplicated copy of these exons is probably in tandem and it is expected to result in a frameshift in the BRCA1 gene. The frequency of this variant in the general population could not be determined as the technology used for large population databases (ExAC, gnomAD, ESP, 1000G) cannot detect variants of this type. The variant, c.(5074+1_5075-1)_(5193+1_5194-1)dup, has been reported in the literature in multiple individuals affected with Hereditary Breast and Ovarian Cancer (Lalloo_2006, Walsh_2006, Judkins_2012). Two submitters, including a reputable database, have provided clinical-significance assessments for this variant in ClinVar after 2014, and classified the variant as pathogenic. Based on the evidence outlined above, the variant was classified as pathogenic.

Literature cited by the submitters: PubMed 16644204; PubMed 16551709; PubMed 20232141; PubMed 22544547.